The following is an entry in ClinVar:

NM_001379081.2(FREM1):c.3865G>A (p.Gly1289Ser)

Gene: FREM1 (FRAS1 related extracellular matrix 1; minus strand). Cytogenetic location: 9p22.3.
Variant type: single nucleotide variant.
Coding change: c.3865G>A on transcript NM_001379081.2 (MANE Select); coding-DNA position 3865, G replaced by A.
Protein change: p.Gly1289Ser; replaces glycine 1289 with serine.
Molecular consequence: missense variant. On other transcripts: non-coding transcript variant (2).
Genome position (GRCh38, 1-based): chr9:14,792,859, C>T on the plus strand (G>A on the coding strand, the complement: FREM1 is on the minus strand). VCF-style: chr9-14792859-C-T. GRCh37 (hg19) VCF-style: chr9-14792857-C-T.
Other names: c.3865G>A, p.Gly1289Ser (NM_144966.7); c.3865G>A (NM_144966.5); short protein forms G1289S.
Identifiers: ClinVar variation 1914972 (VCV001914972.7), dbSNP rs899514118, ClinGen allele CA189369178.

ClinVar aggregate classification (germline): Uncertain significance. Review status: criteria provided, multiple submitters, no conflicts (2 of 4 stars). 3 submissions from 3 submitters: Uncertain significance (3). Last evaluated 2025-02-12.

Conditions:
Inborn genetic diseases. Identifiers: MedGen C0950123, MeSH D030342.
BNAR syndrome. Also called: Bifid Nose With or Without Anorectal and Renal Anomalies (BNAR) Syndrome. Identifiers: Orphanet 217266, MedGen C2750433, MONDO:0012165, OMIM 608980.
Oculotrichoanal syndrome (MOTA). Also called: MARLES SYNDROME; Manitoba Oculotrichoanal (MOTA) Syndrome. Identifiers: Orphanet 2717, MedGen C1855425, MONDO:0009560, OMIM 248450.
Trigonocephaly 2 (TRIGNO2). Identifiers: Orphanet 3366, MedGen C3280974, MONDO:0013774, OMIM 614485.

Allele frequency attached by ClinVar (database versions not stated): gnomAD 0.00001.

Submissions (3):

Ambry Genetics
Classification: Uncertain significance for Inborn genetic diseases. Last evaluated: 2025-02-12. Review status: criteria provided, single submitter. Criteria: Ambry Variant Classification Scheme 2023. Collection method: clinical testing. Allele origin: germline.

Fulgent Genetics
Classification: Uncertain significance for Oculotrichoanal syndrome; BNAR syndrome; Trigonocephaly 2. Last evaluated: 2024-02-14. Review status: criteria provided, single submitter. Criteria: ACMG Guidelines, 2015. Collection method: clinical testing. Allele origin: germline.

Labcorp Genetics (formerly Invitae), Labcorp
Classification: Uncertain significance. Last evaluated: 2023-07-03. Review status: criteria provided, single submitter. Criteria: Invitae Variant Classification Sherloc (09022015). Collection method: clinical testing. Allele origin: germline.
Comment: The frequency data for this variant in the population databases is considered unreliable, as metrics indicate poor data quality at this position in the gnomAD database. This sequence change replaces glycine, which is neutral and non-polar, with serine, which is neutral and polar, at codon 1289 of the FREM1 protein (p.Gly1289Ser). This variant has not been reported in the literature in individuals affected with FREM1-related conditions. ClinVar contains an entry for this variant (Variation ID: 1914972). Advanced modeling of protein sequence and biophysical properties (such as structural, functional, and spatial information, amino acid conservation, physicochemical variation, residue mobility, and thermodynamic stability) performed at Invitae indicates that this missense variant is expected to disrupt FREM1 protein function. In summary, the available evidence is currently insufficient to determine the role of this variant in disease. Therefore, it has been classified as a Variant of Uncertain Significance.